The following is an entry in ClinVar:

ClinVar aggregate classification (germline): Uncertain significance (1 of 4 stars; one submission).

Conditions:
Arrhythmogenic right ventricular dysplasia 10. Also called: Arrhythmogenic Right Ventricular Dysplasia/Cardiomyopathy10; Arrhythmogenic right ventricular dysplasia/cardiomyopathy, type 10; ARRHYTHMOGENIC RIGHT VENTRICULAR DYSPLASIA, FAMILIAL, 10. Identifiers: MedGen C1857777, MONDO:0012434, OMIM 610193.

Submission:

Labcorp Genetics (formerly Invitae), Labcorp
Classification: Uncertain significance for Arrhythmogenic right ventricular dysplasia 10. Last evaluated: 2019-08-24. Review status: criteria provided, single submitter. Criteria: Invitae Variant Classification Sherloc (09022015). Collection method: clinical testing. Allele origin: germline.
Comment: In summary, the available evidence is currently insufficient to determine the role of this variant in disease. Therefore, it has been classified as a Variant of Uncertain Significance. Algorithms developed to predict the effect of missense changes on protein structure and function (SIFT, PolyPhen-2, Align-GVGD) all suggest that this variant is likely to be tolerated, but these predictions have not been confirmed by published functional studies and their clinical significance is uncertain. This variant has not been reported in the literature in individuals with DSG2-related conditions. This variant is not present in population databases (ExAC no frequency). This sequence change replaces histidine with glutamine at codon 508 of the DSG2 protein (p.His508Gln). The histidine residue is weakly conserved and there is a small physicochemical difference between histidine and glutamine.

NM_001943.5(DSG2):c.1524C>A (p.His508Gln)

Gene: DSG2 (desmoglein 2; plus strand). Cytogenetic location: 18q12.1.
Variant type: single nucleotide variant.
Coding change: c.1524C>A on transcript NM_001943.5 (MANE Select); coding-DNA position 1524, C replaced by A.
Protein change: p.His508Gln; replaces histidine 508 with glutamine.
Molecular consequence: missense variant.
Genome position (GRCh38, 1-based): chr18:31,536,302, C>A. VCF-style: chr18-31536302-C-A. GRCh37 (hg19) VCF-style: chr18-29116265-C-A.
Other names: short protein forms H508Q.
Identifiers: ClinVar variation 956405 (VCV000956405.9), dbSNP rs560004953, ClinGen allele CA402141627.